The following is an entry in ClinVar:

NM_170606.3(KMT2C):c.3805_3806delinsCA (p.Gly1269His)

Gene: KMT2C (lysine methyltransferase 2C; minus strand). Cytogenetic location: 7q36.1.
Variant type: Indel.
Coding change: c.3805_3806delinsCA on transcript NM_170606.3 (MANE Select); coding-DNA positions 3805 to 3806, GG replaced by CA.
Protein change: p.Gly1269His; replaces glycine 1269 with histidine.
Molecular consequence: missense variant.
Genome position (GRCh38, 1-based): chr7:152,207,335-152,207,336, CC replaced by TG on the plus strand (GG replaced by CA on the coding strand, the reverse complement: KMT2C is on the minus strand). VCF-style: chr7-152207335-CC-TG. GRCh37 (hg19) VCF-style: chr7-151904420-CC-TG.
Other names: short protein forms G1269H.
Identifiers: ClinVar variation 3360118 (VCV003360118.1).
Genomic context (GRCh38, chr7:152,207,335, plus strand): 5'-GAAATGTCTACCTCAGGCACTATACCTGGTCTGTATGGTTTCCTTTTTCTCTTTTTGACA[CC>TG]ATCTGTTCCTTCCACTCCCTTAGTTTCATCATCCACAGCTTCCCGCTCAGGACTAGATTC-3'
Protein context (NP_733751.2, residues 1259-1279): DETKGVEGTD[Gly1269His]VKKRKRKPYR

ClinVar aggregate classification (germline): Uncertain significance (1 of 4 stars; one submission).

Submission:

GeneDx
Classification: Uncertain significance. Last evaluated: 2023-06-20. Review status: criteria provided, single submitter. Criteria: GeneDx Variant Classification Process June 2021. Collection method: clinical testing. Allele origin: germline. Affected: yes.
Comment: Not observed at significant frequency in large population cohorts (gnomAD); In silico analysis supports a deleterious effect on protein structure/function; Has not been previously published as pathogenic or benign to our knowledge